The following is an entry in ClinVar:

ClinVar aggregate classification (germline): Pathogenic (1 of 4 stars; one submission).

Conditions:
Werner syndrome (WRN). Identifiers: Orphanet 902, MedGen C0043119, MONDO:0010196, OMIM 277700.

Allele frequency attached by ClinVar (database versions not stated): ExAC 0.00001; gnomAD exomes 0.00001.
gnomAD v4.1: 2 of 1,613,932 alleles (0.00012%); highest among the groups gnomAD compares: Admixed American, 0.0033%; no homozygotes.

Submission:

Labcorp Genetics (formerly Invitae), Labcorp
Classification: Pathogenic for Werner syndrome. Last evaluated: 2025-07-04. Review status: criteria provided, single submitter. Criteria: Invitae Variant Classification Sherloc (09022015). Collection method: clinical testing. Allele origin: germline.
Comment: This sequence change creates a premature translational stop signal (p.Glu321*) in the WRN gene. It is expected to result in an absent or disrupted protein product. Loss-of-function variants in WRN are known to be pathogenic (PMID: 16673358). This variant is present in population databases (rs779012596, gnomAD 0.006%). This variant has not been reported in the literature in individuals affected with WRN-related conditions. ClinVar contains an entry for this variant (Variation ID: 641343). Studies have shown that this premature translational stop signal is associated with inconclusive levels of altered splicing (internal data). For these reasons, this variant has been classified as Pathogenic.

Literature cited by the submitters: PubMed 16673358.

NM_000553.6(WRN):c.961G>T (p.Glu321Ter)

Gene: WRN (WRN RecQ like helicase; plus strand). Cytogenetic location: 8p12.
Variant type: single nucleotide variant.
Coding change: c.961G>T on transcript NM_000553.6 (MANE Select); coding-DNA position 961, G replaced by T.
Protein change: p.Glu321Ter; replaces glutamic acid 321 with a stop codon.
Molecular consequence: nonsense.
Genome position (GRCh38, 1-based): chr8:31,080,988, G>T. VCF-style: chr8-31080988-G-T. GRCh37 (hg19) VCF-style: chr8-30938504-G-T.
Other names: short protein forms E321*.
Identifiers: ClinVar variation 641343 (VCV000641343.7), dbSNP rs779012596, ClinGen allele CA4704228.